The following is an entry in ClinVar:

ClinVar aggregate classification (germline): Likely benign. Review status: criteria provided, multiple submitters, no conflicts (2 of 4 stars). 2 submissions from 2 submitters: Likely benign (2). Last evaluated 2025-11-21.

Conditions:
TNFRSF9-related disorder. Also called: TNFRSF9-related condition.

Allele frequency attached by ClinVar (database versions not stated): gnomAD exomes below 0.00001 and 0.00001; TOPMed 0.00001.
gnomAD v4.1: 12 of 1,610,850 alleles (0.00074%); highest among the groups gnomAD compares: East Asian, 0.0067%; no homozygotes.

Submissions (2):

PreventionGenetics, part of Exact Sciences
Classification: Likely benign for TNFRSF9-related condition. Last evaluated: 2025-11-21. Review status: criteria provided, single submitter. Criteria: ACMG Guidelines, 2015. Collection method: clinical testing. Allele origin: germline.
Comment: This variant is classified as likely benign based on ACMG/AMP sequence variant interpretation guidelines (Richards et al. 2015 PMID: 25741868, with internal and published modifications).

Labcorp Genetics (formerly Invitae), Labcorp
Classification: Likely benign. Last evaluated: 2025-11-03. Review status: criteria provided, single submitter. Criteria: Invitae Variant Classification Sherloc (09022015). Collection method: clinical testing. Allele origin: germline.

NM_001561.6(TNFRSF9):c.545-4G>T

Gene: TNFRSF9 (TNF receptor superfamily member 9; minus strand). Cytogenetic location: 1p36.23.
Variant type: single nucleotide variant.
Coding change: c.545-4G>T on transcript NM_001561.6 (MANE Select); 4 bases into the intron before coding-DNA position 545, G replaced by T.
Molecular consequence: intron variant.
Genome position (GRCh38, 1-based): chr1:7,933,300, C>A on the plus strand (G>T on the coding strand, the complement: TNFRSF9 is on the minus strand). VCF-style: chr1-7933300-C-A. GRCh37 (hg19) VCF-style: chr1-7993360-C-A.
Other names: c.545-4G>T (NM_001561.5).
Identifiers: ClinVar variation 1652430 (VCV001652430.9), dbSNP rs908519580, ClinGen allele CA17272421.